The following is an entry in ClinVar:

ClinVar aggregate classification (germline): Uncertain significance (1 of 4 stars; one submission).

Conditions:
GNAS-related disorder. Identifiers: MedGen CN380105.

gnomAD v4.1: 3 of 1,229,486 alleles (0.00024%); highest among the groups gnomAD compares: Non-Finnish European, 0.00032%; no homozygotes.

Submission:

PreventionGenetics, part of Exact Sciences
Classification: Uncertain significance for GNAS-related condition. Last evaluated: 2025-06-01. Review status: criteria provided, single submitter. Criteria: ACMG Guidelines, 2015. Collection method: clinical testing. Allele origin: germline.
Comment: The GNAS c.19A>G variant is predicted to result in the amino acid substitution p.Ser7Gly. To our knowledge, this variant has not been reported in the literature or in a large population database (gnomAD), indicating this variant is rare. At this time, the clinical significance of this variant is uncertain due to the absence of conclusive functional and genetic evidence.

NM_000516.7(GNAS):c.19A>G (p.Ser7Gly)

Gene: GNAS (GNAS complex locus; plus strand). Cytogenetic location: 20q13.32.
Variant type: single nucleotide variant.
Coding change: c.19A>G on transcript NM_000516.7 (MANE Select); coding-DNA position 19, A replaced by G.
Protein change: p.Ser7Gly; replaces serine 7 with glycine.
Molecular consequence: missense variant. On other transcripts: intron variant (11).
Genome position (GRCh38, 1-based): chr20:58,891,745, A>G. VCF-style: chr20-58891745-A-G. GRCh37 (hg19) VCF-style: chr20-57466800-A-G.
Other names: c.19A>G, p.Ser7Gly (NM_001077488.5, NM_001077489.4, NM_001309842.2 and 1 more transcripts); c.*43-3867A>G (NM_016592.5); c.44-3867A>G (NM_001410912.1); c.-38-3867A>G (NM_001309861.2); c.*1-3867A>G (NM_001077490.3); c.2069-3867A>G (NM_080425.4, NM_001410913.1); c.*159-3867A>G (NM_001309883.1); c.-39+2392A>G (NM_001438273.1, NM_001309840.2); and 1 more; short protein forms S7G.
Identifiers: ClinVar variation 5002053 (VCV005002053.1).
Genomic context (GRCh38, chr20:58,891,745, plus strand): 5'-GCCGCCGCAGCCCGGCCGCGCCCCGCCGCCGCCGCCGCCGCCATGGGCTGCCTCGGGAAC[A>G]GTAAGACCGAGGACCAGCGCAACGAGGAGAAGGCGCAGCGTGAGGCCAACAAAAAGATCG-3'
Protein context (NP_000507.1, residues 1-17): MGCLGN[Ser7Gly]KTEDQRNEEK